The following is an entry in ClinVar:

ClinVar aggregate classification (germline): Benign/Likely benign. Review status: criteria provided, multiple submitters, no conflicts (2 of 4 stars). 10 submissions from 10 submitters: Benign (1); Likely benign (5). 4 of the submissions do not count toward it. Last evaluated 2026-02-01.

Conditions:
Multiple gastrointestinal atresias. Also called: Multiple intestinal atresia; FAMILIAL INTESTINAL POLYATRESIA SYNDROME. Identifiers: Orphanet 2300, MedGen C0220744, MONDO:0009465.
TTC7A-related disorder. Also called: TTC7A-related condition.

Allele frequency attached by ClinVar (database versions not stated): 1000 Genomes Project 0.00100; 1000 Genomes Project 30x 0.00125; gnomAD 0.00136; TOPMed 0.00138; gnomAD exomes 0.00157; ExAC 0.00170; ESP Exome Variant Server 0.00223.
gnomAD v4.1: 3,116 of 1,611,706 alleles (0.19%); highest among the groups gnomAD compares: Non-Finnish European, 0.23%; 2 homozygotes.

Submissions (10):

Labcorp Genetics (formerly Invitae), Labcorp
Classification: Benign for Multiple gastrointestinal atresias. Last evaluated: 2026-02-01. Review status: criteria provided, single submitter. Criteria: Invitae Variant Classification Sherloc (09022015). Collection method: clinical testing. Allele origin: germline.

Mayo Clinic Laboratories, Mayo Clinic
Classification: Likely benign. Last evaluated: 2025-10-22. Review status: criteria provided, single submitter. Criteria: ACMG Guidelines, 2015. Collection method: clinical testing. Allele origin: germline. Observed: 1 variant allele.
Comment: BS1, BS2_supporting, BP4

CeGaT Center for Human Genetics Tuebingen
Classification: Likely benign. Last evaluated: 2025-08-01. Review status: criteria provided, single submitter. Criteria: CeGaT Center For Human Genetics Tuebingen Variant Classification Criteria Version 2. Collection method: clinical testing. Allele origin: germline. Affected: yes. Observed: 4 variant alleles.
Comment: TTC7A: BS1

Blueprint Genetics
Classification: Likely benign. Last evaluated: 2024-11-07. Review status: criteria provided, single submitter. Criteria: ACMG Guidelines, 2015. Collection method: clinical testing. Allele origin: germline.

GeneDx
Classification: Likely benign. Last evaluated: 2021-03-22. Review status: criteria provided, single submitter. Criteria: GeneDx Variant Classification Process June 2021. Collection method: clinical testing. Allele origin: germline. Affected: yes.
Comment: This variant is associated with the following publications: (PMID: 28930861)

Breakthrough Genomics
Classification: Likely benign. Review status: criteria provided, single submitter. Criteria: ACMG Guidelines, 2015. Collection method: not provided. Allele origin: germline. Inheritance: Autosomal recessive inheritance. Affected: yes.

PreventionGenetics, part of Exact Sciences
Classification: Likely benign for TTC7A-related condition. Last evaluated: 2024-02-07. Review status: no assertion criteria provided. Collection method: clinical testing. Allele origin: germline. Not counted in ClinVar's aggregate classification.
Comment: This variant is classified as likely benign based on ACMG/AMP sequence variant interpretation guidelines (Richards et al. 2015 PMID: 25741868, with internal and published modifications).

Clinical Genetics DNA and cytogenetics Diagnostics Lab, Erasmus MC, Erasmus Medical Center
Classification: Likely benign. Review status: no assertion criteria provided. Collection method: clinical testing. Allele origin: germline. Affected: yes. Study: VKGL Data-share Consensus. Not counted in ClinVar's aggregate classification.

Genome Diagnostics Laboratory, University Medical Center Utrecht
Classification: Likely benign. Review status: no assertion criteria provided. Collection method: clinical testing. Allele origin: germline. Affected: yes. Study: VKGL Data-share Consensus. Not counted in ClinVar's aggregate classification.

Laboratory of Diagnostic Genome Analysis, Leiden University Medical Center (LUMC)
Classification: Likely benign. Review status: no assertion criteria provided. Collection method: clinical testing. Allele origin: germline. Affected: yes. Study: VKGL Data-share Consensus. Not counted in ClinVar's aggregate classification.

Literature cited by the submitters: PubMed 28930861 (cited by Mayo Clinic Laboratories, Mayo Clinic).

NM_020458.4(TTC7A):c.1348G>A (p.Val450Met)

Gene: TTC7A (tetratricopeptide repeat domain 7A; plus strand). Cytogenetic location: 2p21.
Variant type: single nucleotide variant.
Coding change: c.1348G>A on transcript NM_020458.4 (MANE Select); coding-DNA position 1348, G replaced by A.
Protein change: p.Val450Met; replaces valine 450 with methionine.
Molecular consequence: missense variant.
Genome position (GRCh38, 1-based): chr2:47,011,391, G>A. VCF-style: chr2-47011391-G-A. GRCh37 (hg19) VCF-style: chr2-47238530-G-A.
Other names: p.Val450Met; c.1348G>A, p.Val450Met (LRG_1323t1, NM_001288951.2); c.1246G>A, p.Val416Met (NM_001288953.2); c.286G>A, p.Val96Met (NM_001288955.2); short protein forms V450M, V416M, V96M.
Identifiers: ClinVar variation 528467 (VCV000528467.59), dbSNP rs114276698, ClinGen allele CA1647625.